The following is an entry in ClinVar:

ClinVar aggregate classification (germline): Uncertain significance (1 of 4 stars; one submission).

gnomAD v4.1: 21 of 1,613,528 alleles (0.0013%); highest among the groups gnomAD compares: African/African-American, 0.0053%; no homozygotes.

Submission:

GeneDx
Classification: Uncertain significance. Last evaluated: 2024-08-19. Review status: criteria provided, single submitter. Criteria: GeneDx Variant Classification Process June 2021. Collection method: clinical testing. Allele origin: germline. Affected: yes.
Comment: Not observed at significant frequency in large population cohorts (gnomAD); In silico analysis indicates that this missense variant does not alter protein structure/function; Has not been previously published as pathogenic or benign to our knowledge

NM_001277062.2(MFF):c.611G>A (p.Arg204His)

Gene: MFF (mitochondrial fission factor; plus strand). Cytogenetic location: 2q36.3.
Variant type: single nucleotide variant.
Coding change: c.611G>A on transcript NM_001277062.2 (MANE Select); coding-DNA position 611, G replaced by A.
Protein change: p.Arg204His; replaces arginine 204 with histidine.
Molecular consequence: missense variant. On other transcripts: intron variant (4).
Genome position (GRCh38, 1-based): chr2:227,352,525, G>A. VCF-style: chr2-227352525-G-A. GRCh37 (hg19) VCF-style: chr2-228217241-G-A.
Other names: c.764G>A, p.Arg255His (NM_001277061.2, NM_020194.5); c.452G>A, p.Arg151His (NM_001277064.2); c.494G>A, p.Arg165His (NM_001277068.1); c.516-3152G>A (NM_001277063.2); c.441-3152G>A (NM_001277065.2, NM_001277066.2); c.450-3152G>A (NM_001277067.1); short protein forms R151H, R165H, R204H, R255H.
Identifiers: ClinVar variation 3764344 (VCV003764344.1).